The following is an entry in ClinVar:

NM_003247.5(THBS2):c.1129+9C>T

Gene: THBS2 (thrombospondin 2; minus strand). Cytogenetic location: 6q27.
Variant type: single nucleotide variant.
Coding change: c.1129+9C>T on transcript NM_003247.5 (MANE Select); 9 bases into the intron after coding-DNA position 1129, C replaced by T.
Molecular consequence: intron variant.
Genome position (GRCh38, 1-based): chr6:169,239,590, G>A on the plus strand (C>T on the coding strand, the complement: THBS2 is on the minus strand). VCF-style: chr6-169239590-G-A. GRCh37 (hg19) VCF-style: chr6-169639685-G-A.
Other names: c.1129+9C>T (NM_001381939.1, NM_001381940.1); c.898+9C>T (NM_001381942.1).
Identifiers: ClinVar variation 3035373 (VCV003035373.2), dbSNP rs376028273, ClinGen allele CA4103415.

ClinVar aggregate classification (germline): Likely benign (0 of 4 stars; one submission).

Conditions:
THBS2-related disorder. Also called: THBS2-related condition.

Allele frequency attached by ClinVar (database versions not stated): gnomAD 0.00011; TOPMed 0.00011; ExAC 0.00012; ESP Exome Variant Server 0.00031.
gnomAD v4.1: 280 of 1,592,254 alleles (0.018%); highest among the groups gnomAD compares: Non-Finnish European, 0.022%; no homozygotes.

Submission:

PreventionGenetics, part of Exact Sciences
Classification: Likely benign for THBS2-related condition. Last evaluated: 2019-07-29. Review status: no assertion criteria provided. Collection method: clinical testing. Allele origin: germline.
Comment: This variant is classified as likely benign based on ACMG/AMP sequence variant interpretation guidelines (Richards et al. 2015 PMID: 25741868, with internal and published modifications).